The following is an entry in ClinVar:

NM_000520.6(HEXA):c.640G>A (p.Glu214Lys)

Gene: HEXA (hexosaminidase subunit alpha; minus strand). Cytogenetic location: 15q23.
Variant type: single nucleotide variant.
Coding change: c.640G>A on transcript NM_000520.6 (MANE Select); coding-DNA position 640, G replaced by A.
Protein change: p.Glu214Lys; replaces glutamic acid 214 with lysine.
Molecular consequence: missense variant. On other transcripts: non-coding transcript variant (1).
Genome position (GRCh38, 1-based): chr15:72,351,165, C>T on the plus strand (G>A on the coding strand, the complement: HEXA is on the minus strand). VCF-style: chr15-72351165-C-T. GRCh37 (hg19) VCF-style: chr15-72643506-C-T.
Other names: c.673G>A, p.Glu225Lys (NM_001318825.2); short protein forms E214K, E225K.
Identifiers: ClinVar variation 633262 (VCV000633262.4), dbSNP rs1227959449, ClinGen allele CA393063533.

ClinVar aggregate classification (germline): Uncertain significance. Review status: criteria provided, multiple submitters, no conflicts (2 of 4 stars). 3 submissions from 3 submitters: Uncertain significance (2). 1 of the submissions does not count toward it. Last evaluated 2021-09-19.

Conditions:
Tay-Sachs disease (TSD). Also called: GM2 gangliosidosis, type 1; Hexosaminidase alpha-subunit deficiency (variant B); Sphingolipidosis, Tay-Sachs; Hexosaminidase A Deficiency; HEXA Disorders; HEXA DEFICIENCY. Identifiers: Orphanet 845, MedGen C0039373, MONDO:0010100, OMIM 272800.

Allele frequency attached by ClinVar (database versions not stated): gnomAD exomes below 0.00001; gnomAD 0.00001.
gnomAD v4.1: 2 of 1,612,138 alleles (0.00012%); highest among the groups gnomAD compares: Non-Finnish European, 0.00017%; no homozygotes.

Submissions (3):

Labcorp Genetics (formerly Invitae), Labcorp
Classification: Uncertain significance for Tay-Sachs disease. Last evaluated: 2021-09-19. Review status: criteria provided, single submitter. Criteria: Invitae Variant Classification Sherloc (09022015). Collection method: clinical testing. Allele origin: germline.
Comment: This sequence change replaces glutamic acid with lysine at codon 214 of the HEXA protein (p.Glu214Lys). The glutamic acid residue is moderately conserved and there is a small physicochemical difference between glutamic acid and lysine. This variant is not present in population databases (ExAC no frequency). This variant has not been reported in the literature in individuals with HEXA-related disease. Algorithms developed to predict the effect of missense changes on protein structure and function are either unavailable or do not agree on the potential impact of this missense change (SIFT: "Tolerated"; PolyPhen-2: "Possibly Damaging"; Align-GVGD: "Class C0"). In summary, the available evidence is currently insufficient to determine the role of this variant in disease. Therefore, it has been classified as a Variant of Uncertain Significance.

Women's Health and Genetics/Laboratory Corporation of America, LabCorp
Classification: Uncertain significance. Last evaluated: 2017-12-14. Review status: criteria provided, single submitter. Criteria: LabCorp Variant Classification Summary - May 2015. Collection method: clinical testing. Allele origin: germline.
Comment: Variant summary: The HEXA c.640G>A (p.Glu214Lys) variant is located in the Glycoside hydrolase family 20, catalytic domain (IPR015883) (InterPro) and involves the alteration of a conserved nucleotide. 3/5 in silico tools predict a benign outcome for this variant. This variant was found in 1/30984 control chromosomes (gnomAD) at a frequency of 0.0000323, which does not exceed the estimated maximal expected allele frequency of a pathogenic HEXA variant (0.0013975). The variant of interest has not, to our knowledge, been reported in affected individuals via publications and/or reputable databases/clinical diagnostic laboratories; nor evaluated for functional impact by in vivo/vitro studies. Because of the absence of clinical information and the lack of functional studies, the variant is classified as a variant of uncertain significance (VUS).

Natera, Inc.
Classification: Uncertain significance for Tay-Sachs disease. Last evaluated: 2020-02-26. Review status: no assertion criteria provided. Collection method: clinical testing. Allele origin: germline. Not counted in ClinVar's aggregate classification.